The following is an entry in ClinVar:

NM_001849.4(COL6A2):c.2697G>A (p.Thr899=)

Gene: COL6A2 (collagen type VI alpha 2 chain; plus strand). Cytogenetic location: 21q22.3.
Variant type: single nucleotide variant.
Coding change: c.2697G>A on transcript NM_001849.4 (MANE Select); coding-DNA position 2697, G replaced by A.
Protein change: p.Thr899=; no amino-acid change (threonine 899 retained).
Molecular consequence: synonymous variant.
Genome position (GRCh38, 1-based): chr21:46,132,189, G>A. VCF-style: chr21-46132189-G-A. GRCh37 (hg19) VCF-style: chr21-47552103-G-A.
Identifiers: ClinVar variation 476472 (VCV000476472.39), dbSNP rs11554669, ClinGen allele CA10072979.

ClinVar aggregate classification (germline): Conflicting classifications of pathogenicity. Review status: criteria provided, conflicting classifications (1 of 4 stars). 4 submissions from 4 submitters: Uncertain significance (1); Likely benign (3). Last evaluated 2026-08-01.

Conditions:
Collagen 6-related myopathy. Identifiers: MedGen CN117976, MONDO:0100225.
Bethlem myopathy 1A. Also called: MYOPATHY, BENIGN CONGENITAL, WITH CONTRACTURES; Bethlem myopathy 1; Bethlem Muscular Dystrophy. Identifiers: Orphanet 610, MedGen CN029274, MONDO:0024530, OMIM 158810.

Allele frequency attached by ClinVar (database versions not stated): TOPMed 0.00010; 1000 Genomes Project 30x 0.00031.
gnomAD v4.1: 90 of 1,575,714 alleles (0.0057%); highest among the groups gnomAD compares: Admixed American, 0.015%; no homozygotes.

Submissions (4):

CeGaT Center for Human Genetics Tuebingen
Classification: Likely benign. Last evaluated: 2026-08-01. Review status: criteria provided, single submitter. Criteria: CeGaT Center For Human Genetics Tuebingen Variant Classification Criteria Version 2. Collection method: clinical testing. Allele origin: germline. Affected: yes. Observed: 2 variant alleles.
Comment: COL6A2: BP4, BP7

Labcorp Genetics (formerly Invitae), Labcorp
Classification: Likely benign for Bethlem myopathy 1A. Last evaluated: 2025-11-27. Review status: criteria provided, single submitter. Criteria: Invitae Variant Classification Sherloc (09022015). Collection method: clinical testing. Allele origin: germline.

Illumina Laboratory Services, Illumina
Classification: Uncertain significance for Collagen VI-related myopathy. Last evaluated: 2018-01-15. Review status: criteria provided, single submitter. Criteria: ICSL Variant Classification Criteria 13 December 2019. Collection method: clinical testing. Allele origin: germline.

GeneDx
Classification: Likely benign. Last evaluated: 2017-09-11. Review status: criteria provided, single submitter. Criteria: GeneDx Variant Classification (06012015). Collection method: clinical testing. Allele origin: germline. Affected: yes.
Comment: This variant is considered likely benign or benign based on one or more of the following criteria: it is a conservative change, it occurs at a poorly conserved position in the protein, it is predicted to be benign by multiple in silico algorithms, and/or has population frequency not consistent with disease.